The following is an entry in ClinVar:

ClinVar aggregate classification (germline): Uncertain significance (1 of 4 stars; one submission).

Conditions:
Hereditary cancer-predisposing syndrome. Also called: Neoplastic Syndromes, Hereditary; Tumor predisposition; Hereditary neoplastic syndrome; Hereditary Cancer Syndrome. Identifiers: Orphanet 140162, MedGen C0027672, MeSH D009386, MONDO:0015356.

Submission:

Ambry Genetics
Classification: Uncertain significance for Hereditary cancer-predisposing syndrome. Last evaluated: 2025-11-17. Review status: criteria provided, single submitter. Criteria: Ambry Variant Classification Scheme 2023. Collection method: clinical testing. Allele origin: germline.
Comment: The p.D362V variant (also known as c.1085A>T), located in coding exon 7 of the MSH3 gene, results from an A to T substitution at nucleotide position 1085. The aspartic acid at codon 362 is replaced by valine, an amino acid with highly dissimilar properties. This amino acid position is conserved. In addition, this alteration is predicted to be deleterious by in silico analysis. Since supporting evidence is limited at this time, the clinical significance of this alteration remains unclear.

NM_002439.5(MSH3):c.1085A>T (p.Asp362Val)

Gene: MSH3 (mutS homolog 3; plus strand). Cytogenetic location: 5q14.1.
Variant type: single nucleotide variant.
Coding change: c.1085A>T on transcript NM_002439.5 (MANE Select); coding-DNA position 1085, A replaced by T.
Protein change: p.Asp362Val; replaces aspartic acid 362 with valine.
Molecular consequence: missense variant.
Genome position (GRCh38, 1-based): chr5:80,675,040, A>T. VCF-style: chr5-80675040-A-T. GRCh37 (hg19) VCF-style: chr5-79970859-A-T.
Other names: short protein forms D362V.
Identifiers: ClinVar variation 2451088 (VCV002451088.3), dbSNP rs373336770, ClinGen allele CA360268036.
Genomic context (GRCh38, chr5:80,675,040, plus strand): 5'-TAAATGTGAATCCCCTAATCAAGCTGGATGATGCTGTAAATGTTGATGAGATAATGACTG[A>T]TACTTCTACCAGCTATCTTCTGTGCATCTCTGAAAATAAGGAAAATGTTAGGGACAAAAA-3'
Protein context (NP_002430.3, residues 352-372): DAVNVDEIMT[Asp362Val]TSTSYLLCIS